The following is an entry in ClinVar:

ClinVar aggregate classification (germline): Uncertain significance (1 of 4 stars; one submission).

Conditions:
NOTCH2-related disorder. Also called: NOTCH2-related condition.

gnomAD v4.1: 9 of 1,614,118 alleles (0.00056%); highest among the groups gnomAD compares: East Asian, 0.0022%; no homozygotes.

Submission:

PreventionGenetics, part of Exact Sciences
Classification: Uncertain significance for NOTCH2-related condition. Last evaluated: 2024-11-27. Review status: criteria provided, single submitter. Criteria: ACMG Guidelines, 2015. Collection method: clinical testing. Allele origin: germline.
Comment: The NOTCH2 c.3395C>T variant is predicted to result in the amino acid substitution p.Thr1132Met. To our knowledge, this variant has not been reported in the literature. This variant is reported in 0.0046% of alleles in individuals of European (Finnish) descent in gnomAD. At this time, the clinical significance of this variant is uncertain due to the absence of conclusive functional and genetic evidence.

NM_024408.4(NOTCH2):c.3395C>T (p.Thr1132Met)

Gene: NOTCH2 (notch receptor 2; minus strand). Cytogenetic location: 1p12.
Variant type: single nucleotide variant.
Coding change: c.3395C>T on transcript NM_024408.4 (MANE Select); coding-DNA position 3395, C replaced by T.
Protein change: p.Thr1132Met; replaces threonine 1132 with methionine.
Molecular consequence: missense variant.
Genome position (GRCh38, 1-based): chr1:119,937,409, G>A on the plus strand (C>T on the coding strand, the complement: NOTCH2 is on the minus strand). VCF-style: chr1-119937409-G-A. GRCh37 (hg19) VCF-style: chr1-120480032-G-A.
Other names: c.3395C>T, p.Thr1132Met (NM_001200001.2); short protein forms T1132M.
Identifiers: ClinVar variation 4998125 (VCV004998125.1).
Genomic context (GRCh38, chr1:119,937,409, plus strand): 5'-TCATCGAGTTGCTCCTCACAGTAGCTCCCAGTATAGCCCAGGGGGCACTGACAGTAATGC[G>A]TGTTGCCAGCATTGATGCAGACACCTGAGTGCTGGCACAAGTGTTCAACAAGCACACCTG-3'
Protein context (NP_077719.2, residues 1122-1142): HSGVCINAGN[Thr1132Met]HYCQCPLGYT